The following is an entry in ClinVar:

NM_000709.4(BCKDHA):c.598C>T (p.Arg200Cys)

Gene: BCKDHA (branched chain keto acid dehydrogenase E1 subunit alpha; plus strand). Cytogenetic location: 19q13.2.
Variant type: single nucleotide variant.
Coding change: c.598C>T on transcript NM_000709.4 (MANE Select); coding-DNA position 598, C replaced by T.
Protein change: p.Arg200Cys; replaces arginine 200 with cysteine.
Molecular consequence: missense variant.
Genome position (GRCh38, 1-based): chr19:41,419,248, C>T. VCF-style: chr19-41419248-C-T. GRCh37 (hg19) VCF-style: chr19-41925153-C-T.
Other names: c.598C>T, p.Arg200Cys (NM_001164783.2); short protein forms R200C.
Identifiers: ClinVar variation 3480098 (VCV003480098.3).
Genomic context (GRCh38, chr19:41,419,248, plus strand): 5'-GGCAACATCAGTGACTTGGGCAAGGGGCGCCAGATGCCTGTCCACTACGGCTGCAAGGAA[C>T]GCCACTTCGTCACTATCTCCTCTCCACTGGCCACGCAGATCCCTCAGGGTGAGGATGCAT-3'
Protein context (NP_000700.1, residues 190-210): QMPVHYGCKE[Arg200Cys]HFVTISSPLA

ClinVar aggregate classification (germline): Uncertain significance. Review status: criteria provided, multiple submitters, no conflicts (2 of 4 stars). 2 submissions from 2 submitters: Uncertain significance (2). Last evaluated 2025-11-02.

Conditions:
Maple syrup urine disease (MSUD). Identifiers: Orphanet 511, MedGen C0024776, MeSH D008375, MONDO:0009563. Disease mechanism: loss of function.
Inborn genetic diseases. Identifiers: MedGen C0950123, MeSH D030342.

Submissions (2):

Ambry Genetics
Classification: Uncertain significance for Inborn genetic diseases. Last evaluated: 2025-11-02. Review status: criteria provided, single submitter. Criteria: Ambry Variant Classification Scheme 2023. Collection method: clinical testing. Allele origin: germline.

Labcorp Genetics (formerly Invitae), Labcorp
Classification: Uncertain significance for Maple syrup urine disease. Last evaluated: 2025-05-05. Review status: criteria provided, single submitter. Criteria: Invitae Variant Classification Sherloc (09022015). Collection method: clinical testing. Allele origin: germline.
Comment: This sequence change replaces arginine, which is basic and polar, with cysteine, which is neutral and slightly polar, at codon 200 of the BCKDHA protein (p.Arg200Cys). This variant is present in population databases (rs190610188, gnomAD 0.005%). This variant has not been reported in the literature in individuals affected with BCKDHA-related conditions. ClinVar contains an entry for this variant (Variation ID: 3480098). Invitae Evidence Modeling of protein sequence and biophysical properties (such as structural, functional, and spatial information, amino acid conservation, physicochemical variation, residue mobility, and thermodynamic stability) has been performed for this missense variant. However, the output from this modeling did not meet the statistical confidence thresholds required to predict the impact of this variant on BCKDHA protein function. In summary, the available evidence is currently insufficient to determine the role of this variant in disease. Therefore, it has been classified as a Variant of Uncertain Significance.